The following is an entry in ClinVar:

ClinVar aggregate classification (germline): Pathogenic (1 of 4 stars; one submission).

Conditions:
Marfan syndrome (MFS). Also called: MARFAN SYNDROME, TYPE I; Marfan syndrome type 1; Marfan's syndrome; Marfan syndrome, classic; FBN1-Related Marfan Syndrome. Identifiers: Orphanet 284963, Orphanet 558, MedGen C0024796, MONDO:0007947, OMIM 154700.
Familial thoracic aortic aneurysm and aortic dissection (TAAD). Also called: Thoracic aortic aneurysms and dissections. Identifiers: Orphanet 91387, MedGen C4707243, MONDO:0019625.

Submission:

Labcorp Genetics (formerly Invitae), Labcorp
Classification: Pathogenic for Marfan syndrome; Familial thoracic aortic aneurysm and aortic dissection. Last evaluated: 2024-01-31. Review status: criteria provided, single submitter. Criteria: Invitae Variant Classification Sherloc (09022015). Collection method: clinical testing. Allele origin: germline.
Comment: This sequence change creates a premature translational stop signal (p.Ser2424*) in the FBN1 gene. It is expected to result in an absent or disrupted protein product. Loss-of-function variants in FBN1 are known to be pathogenic (PMID: 17657824, 19293843). This variant is not present in population databases (gnomAD no frequency). This variant has not been reported in the literature in individuals affected with FBN1-related conditions. For these reasons, this variant has been classified as Pathogenic.

Literature cited by the submitters: PubMed 17657824; PubMed 19293843.

NM_000138.5(FBN1):c.7271C>A (p.Ser2424Ter)

Gene: FBN1 (fibrillin 1; minus strand). Cytogenetic location: 15q21.1.
Variant type: single nucleotide variant.
Coding change: c.7271C>A on transcript NM_000138.5 (MANE Select); coding-DNA position 7271, C replaced by A.
Protein change: p.Ser2424Ter; replaces serine 2424 with a stop codon.
Molecular consequence: nonsense.
Genome position (GRCh38, 1-based): chr15:48,425,798, G>T on the plus strand (C>A on the coding strand, the complement: FBN1 is on the minus strand). VCF-style: chr15-48425798-G-T. GRCh37 (hg19) VCF-style: chr15-48717995-G-T.
Other names: c.7271C>A, p.Ser2424Ter (NM_001406716.1); short protein forms S2424*.
Identifiers: ClinVar variation 2954417 (VCV002954417.3), dbSNP rs2505408062, ClinGen allele CA392328664.